The following is an entry in ClinVar:

ClinVar aggregate classification (germline): other (0 of 4 stars; one submission).

Conditions:
Familial colorectal cancer. Identifiers: MedGen CN280943, MONDO:0023113. Disease mechanism: loss of function.

Submission:

Systems Biology Platform Zhejiang California International NanoSystems Institute
Classification: other for Familial colorectal cancer. Review status: no assertion criteria provided. Collection method: not provided. Allele origin: unknown.
ClinVar note: Converted during submission from cancer to other.

NM_000038.6(APC):c.136-2831A>T

Gene: APC (APC regulator of WNT signaling pathway; plus strand). Cytogenetic location: 5q22.2.
Variant type: single nucleotide variant.
Coding change: c.136-2831A>T on transcript NM_000038.6 (MANE Select); 2831 bases into the intron before coding-DNA position 136, A replaced by T.
Molecular consequence: intron variant.
Genome position (GRCh38, 1-based): chr5:112,763,495, A>T. VCF-style: chr5-112763495-A-T. GRCh37 (hg19) VCF-style: chr5-112099192-A-T.
Other names: c.136-2831A>T (NM_001354895.2, NM_001127510.3, NM_001354896.2 and 2 more transcripts); c.166-2831A>T (NM_001354897.2, NM_001354902.2, NM_001127511.3); c.61-2831A>T (NM_001354898.2, NM_001354904.2); c.-900-2831A>T (NM_001354906.2); c.-42-2831A>T (NM_001354900.2, NM_001354901.2, NM_001354905.2).
Identifiers: ClinVar variation 82850 (VCV000082850.2), dbSNP rs78307272, ClinGen allele CA004648.